The following is an entry in ClinVar:

ClinVar aggregate classification (germline): Uncertain significance (1 of 4 stars; one submission).

Submission:

Labcorp Genetics (formerly Invitae), Labcorp
Classification: Uncertain significance. Last evaluated: 2025-03-31. Review status: criteria provided, single submitter. Criteria: Invitae Variant Classification Sherloc (09022015). Collection method: clinical testing. Allele origin: germline.
Comment: This sequence change replaces valine, which is neutral and non-polar, with leucine, which is neutral and non-polar, at codon 197 of the C1QTNF5 protein (p.Val197Leu). This variant is not present in population databases (gnomAD no frequency). This variant has not been reported in the literature in individuals affected with C1QTNF5-related conditions. ClinVar contains an entry for this variant (Variation ID: 1442330). An algorithm developed to predict the effect of missense changes on protein structure and function (PolyPhen-2) suggests that this variant is likely to be tolerated. In summary, the available evidence is currently insufficient to determine the role of this variant in disease. Therefore, it has been classified as a Variant of Uncertain Significance.

NM_001278431.2(C1QTNF5):c.589G>C (p.Val197Leu)

Genes: C1QTNF5 (C1q and TNF related 5; minus strand), MFRP (membrane frizzled-related protein; minus strand). Cytogenetic location: 11q23.3.
Variant type: single nucleotide variant.
Coding change: c.589G>C on transcript NM_001278431.2 (MANE Select); coding-DNA position 589, G replaced by C.
Protein change: p.Val197Leu; replaces valine 197 with leucine.
Molecular consequence: missense variant. On other transcripts: 3 prime UTR variant (1).
Genome position (GRCh38, 1-based): chr11:119,339,474, C>G on the plus strand (G>C on the coding strand, the complement: C1QTNF5 is on the minus strand). VCF-style: chr11-119339474-C-G. GRCh37 (hg19) VCF-style: chr11-119210184-C-G.
Other names: c.589G>C, p.Val197Leu (NM_015645.5); c.*1485G>C (NM_031433.4); short protein forms V197L.
Identifiers: ClinVar variation 1442330 (VCV001442330.6), dbSNP rs2135363897, ClinGen allele CA382968361.